The following is an entry in ClinVar:

ClinVar aggregate classification (germline): Likely benign. Review status: criteria provided, multiple submitters, no conflicts (2 of 4 stars). 2 submissions from 2 submitters: Likely benign (2). Last evaluated 2024-08-12.

Allele frequency attached by ClinVar (database versions not stated): gnomAD exomes 0.00001; TOPMed 0.00002.

Submissions (2):

Labcorp Genetics (formerly Invitae), Labcorp
Classification: Likely benign. Last evaluated: 2024-08-12. Review status: criteria provided, single submitter. Criteria: Invitae Variant Classification Sherloc (09022015). Collection method: clinical testing. Allele origin: germline.

CeGaT Center for Human Genetics Tuebingen
Classification: Likely benign. Last evaluated: 2022-06-01. Review status: criteria provided, single submitter. Criteria: CeGaT Center For Human Genetics Tuebingen Variant Classification Criteria Version 2. Collection method: clinical testing. Allele origin: germline. Affected: yes. Observed: 1 variant allele.
Comment: ACO2: BP4, BP7

NM_001098.3(ACO2):c.303G>A (p.Ala101=)

Gene: ACO2 (aconitase 2; plus strand). Cytogenetic location: 22q13.2.
Variant type: single nucleotide variant.
Coding change: c.303G>A on transcript NM_001098.3 (MANE Select); coding-DNA position 303, G replaced by A.
Protein change: p.Ala101=; no amino-acid change (alanine 101 retained).
Molecular consequence: synonymous variant.
Genome position (GRCh38, 1-based): chr22:41,507,920, G>A. VCF-style: chr22-41507920-G-A. GRCh37 (hg19) VCF-style: chr22-41903924-G-A.
Identifiers: ClinVar variation 2653230 (VCV002653230.26), dbSNP rs1336162702, ClinGen allele CA514649991.